The following is an entry in ClinVar:

ClinVar aggregate classification (germline): Uncertain significance (1 of 4 stars; one submission).

Submission:

Ambry Genetics
Classification: Uncertain significance. Last evaluated: 2024-02-09. Review status: criteria provided, single submitter. Criteria: Ambry Variant Classification Scheme 2023. Collection method: clinical testing. Allele origin: germline.
Comment: The p.K1022N variant (also known as c.3066A>T), located in coding exon 16 of the POLQ gene, results from an A to T substitution at nucleotide position 3066. The lysine at codon 1022 is replaced by asparagine, an amino acid with similar properties. This amino acid position is conserved. In addition, this alteration is predicted to be tolerated by in silico analysis. Based on the available evidence, the clinical significance of this alteration remains unclear.

NM_199420.4(POLQ):c.3066A>T (p.Lys1022Asn)

Gene: POLQ (DNA polymerase theta; minus strand). Cytogenetic location: 3q13.33.
Variant type: single nucleotide variant.
Coding change: c.3066A>T on transcript NM_199420.4 (MANE Select); coding-DNA position 3066, A replaced by T.
Protein change: p.Lys1022Asn; replaces lysine 1022 with asparagine.
Molecular consequence: missense variant.
Genome position (GRCh38, 1-based): chr3:121,489,865, T>A on the plus strand (A>T on the coding strand, the complement: POLQ is on the minus strand). VCF-style: chr3-121489865-T-A. GRCh37 (hg19) VCF-style: chr3-121208712-T-A.
Other names: short protein forms K1022N.
Identifiers: ClinVar variation 3229911 (VCV003229911.1), dbSNP rs2546787855, ClinGen allele CA354103179.